The following is an entry in ClinVar:

NM_007198.4(PLPBP):c.811G>A (p.Val271Met)

Gene: PLPBP (pyridoxal phosphate binding protein; plus strand). Cytogenetic location: 8p11.23.
Variant type: single nucleotide variant.
Coding change: c.811G>A on transcript NM_007198.4 (MANE Select); coding-DNA position 811, G replaced by A.
Protein change: p.Val271Met; replaces valine 271 with methionine.
Molecular consequence: missense variant.
Genome position (GRCh38, 1-based): chr8:37,778,087, G>A. VCF-style: chr8-37778087-G-A. GRCh37 (hg19) VCF-style: chr8-37635605-G-A.
Other names: c.841G>A, p.Val281Met (NM_001349346.2); c.805G>A, p.Val269Met (NM_001349347.2); c.655G>A, p.Val219Met (NM_001349348.2); short protein forms V219M, V269M, V271M, V281M.
Identifiers: ClinVar variation 4885065 (VCV004885065.2).
Genomic context (GRCh38, chr8:37,778,087, plus strand): 5'-GATTACTCAAAGAAACCCACCCCGGACAAGTGCGCAGCAGACGTGAAGGCCCCGCTGGAG[G>A]TGGCACAGGAGCACTGAGCCAGGGAATACTGAGAGCACTAACTATGCACTAACCTAGATT-3'
Protein context (NP_009129.1, residues 261-275): CAADVKAPLE[Val271Met]AQEH

ClinVar aggregate classification (germline): Uncertain significance (1 of 4 stars; one submission).

Submission:

Dasa
Classification: Uncertain significance. Last evaluated: 2025-09-17. Review status: criteria provided, single submitter. Criteria: DASA Assertion Criteria. Collection method: clinical testing. Allele origin: germline.
Comment: NM_007198.4(PLPBP):c.811G>A (p.Val271Met) is a missense variant that results in the substitution of valine with methionine. This variant is rare in population databases. Computational prediction algorithms are consistent with a benign effect. The currently available literature and clinical evidence are not sufficient to establish a definitive association between this variant and the reported condition. Therefore, this variant is classified as a variant of uncertain significance.